The following is an entry in ClinVar:

NM_183357.3(ADCY5):c.551C>A (p.Ser184Tyr)

Gene: ADCY5 (adenylate cyclase 5; minus strand). Cytogenetic location: 3q21.1.
Variant type: single nucleotide variant.
Coding change: c.551C>A on transcript NM_183357.3 (MANE Select); coding-DNA position 551, C replaced by A.
Protein change: p.Ser184Tyr; replaces serine 184 with tyrosine.
Molecular consequence: missense variant.
Genome position (GRCh38, 1-based): chr3:123,447,995, G>T on the plus strand (C>A on the coding strand, the complement: ADCY5 is on the minus strand). VCF-style: chr3-123447995-G-T. GRCh37 (hg19) VCF-style: chr3-123166842-G-T.
Other names: c.551C>A, p.Ser184Tyr (NM_001378259.1); short protein forms S184Y.
Identifiers: ClinVar variation 1415885 (VCV001415885.8), dbSNP rs1401519571, ClinGen allele CA354357356.
Genomic context (GRCh38, chr3:123,447,995, plus strand): 5'-GACAGCACCGCGCCGGGCCCCGCGCCCGAGCCCGAGTCCGCCGAGCTGCCGCCATCCCCG[G>T]ACCCCTCGCCGCCCTCGACGGCGCCGGCCTCCAGCTCGTCGGCCGCGCGCCCCTTGCCCC-3'
Protein context (NP_899200.1, residues 174-194): EAGAVEGGEG[Ser184Tyr]GDGGSSADSG

ClinVar aggregate classification (germline): Uncertain significance (1 of 4 stars; one submission).

Allele frequency attached by ClinVar (database versions not stated): TOPMed 0.00004.
gnomAD v4.1: 5 of 1,334,058 alleles (0.00037%); highest among the groups gnomAD compares: Admixed American, 0.0039%; no homozygotes.

Submission:

Labcorp Genetics (formerly Invitae), Labcorp
Classification: Uncertain significance. Last evaluated: 2021-03-16. Review status: criteria provided, single submitter. Criteria: Invitae Variant Classification Sherloc (09022015). Collection method: clinical testing. Allele origin: germline.
Comment: The frequency data for this variant in the population databases is considered unreliable, as metrics indicate insufficient coverage at this position in the ExAC database. This sequence change replaces serine with tyrosine at codon 184 of the ADCY5 protein (p.Ser184Tyr). The serine residue is weakly conserved and there is a large physicochemical difference between serine and tyrosine. This variant has not been reported in the literature in individuals with ADCY5-related conditions. Advanced modeling of protein sequence and biophysical properties (such as structural, functional, and spatial information, amino acid conservation, physicochemical variation, residue mobility, and thermodynamic stability) performed at Invitae indicates that this missense variant is not expected to disrupt ADCY5 protein function. In summary, the available evidence is currently insufficient to determine the role of this variant in disease. Therefore, it has been classified as a Variant of Uncertain Significance.